The following is an entry in ClinVar:

NM_004655.4(AXIN2):c.1251G>A (p.Ala417=)

Gene: AXIN2 (axin 2; minus strand). Cytogenetic location: 17q24.1.
Variant type: single nucleotide variant.
Coding change: c.1251G>A on transcript NM_004655.4 (MANE Select); coding-DNA position 1251, G replaced by A.
Protein change: p.Ala417=; no amino-acid change (alanine 417 retained).
Molecular consequence: synonymous variant.
Genome position (GRCh38, 1-based): chr17:65,537,785, C>T on the plus strand (G>A on the coding strand, the complement: AXIN2 is on the minus strand). VCF-style: chr17-65537785-C-T. GRCh37 (hg19) VCF-style: chr17-63533903-C-T.
Other names: c.1251G>A, p.Ala417= (NM_001363813.1).
Identifiers: ClinVar variation 1138629 (VCV001138629.13), dbSNP rs557397475, ClinGen allele CA8718700.

ClinVar aggregate classification (germline): Benign/Likely benign. Review status: criteria provided, multiple submitters, no conflicts (2 of 4 stars). 4 submissions from 4 submitters: Benign (1); Likely benign (3). Last evaluated 2025-03-04.

Conditions:
Oligodontia-cancer predisposition syndrome. Also called: TOOTH AGENESIS-COLORECTAL CANCER SYNDROME. Identifiers: Orphanet 300576, MedGen C1837750, MONDO:0012075, OMIM 608615. Disease mechanism: loss of function.
Hereditary cancer-predisposing syndrome. Also called: Hereditary neoplastic syndrome; Hereditary Cancer Syndrome; Tumor predisposition; Neoplastic Syndromes, Hereditary. Identifiers: Orphanet 140162, MedGen C0027672, MeSH D009386, MONDO:0015356.

Allele frequency attached by ClinVar (database versions not stated): 1000 Genomes Project 30x 0.00016; 1000 Genomes Project 0.00020.
gnomAD v4.1: 3 of 1,586,456 alleles (0.00019%); highest among the groups gnomAD compares: East Asian, 0.0023%; no homozygotes.

Submissions (4):

Center for Genomic Medicine, Rigshospitalet, Copenhagen University Hospital
Classification: Likely benign. Last evaluated: 2025-03-04. Review status: criteria provided, single submitter. Criteria: ACMG Guidelines, 2015. Collection method: clinical testing. Allele origin: germline.

Labcorp Genetics (formerly Invitae), Labcorp
Classification: Likely benign for Oligodontia-cancer predisposition syndrome. Last evaluated: 2024-11-06. Review status: criteria provided, single submitter. Criteria: Invitae Variant Classification Sherloc (09022015). Collection method: clinical testing. Allele origin: germline.

Myriad Genetics, Inc.
Classification: Benign for Oligodontia-cancer predisposition syndrome. Last evaluated: 2024-07-02. Review status: criteria provided, single submitter. Criteria: Myriad Autosomal Dominant, Autosomal Recessive and X-Linked Classification Criteria (2023). Collection method: clinical testing. Allele origin: unknown.
Comment: This variant is considered benign. This variant is a silent/synonymous amino acid change and it is not expected to impact splicing.

Ambry Genetics
Classification: Likely benign for Hereditary cancer-predisposing syndrome. Last evaluated: 2021-10-11. Review status: criteria provided, single submitter. Criteria: Ambry Variant Classification Scheme 2023. Collection method: clinical testing. Allele origin: germline.